The following is an entry in ClinVar:

ClinVar aggregate classification (germline): Uncertain significance (1 of 4 stars; one submission).

Submission:

Labcorp Genetics (formerly Invitae), Labcorp
Classification: Uncertain significance. Last evaluated: 2025-06-11. Review status: criteria provided, single submitter. Criteria: Invitae Variant Classification Sherloc (09022015). Collection method: clinical testing. Allele origin: germline.
Comment: This sequence change creates a premature translational stop signal (p.Lys226Ilefs*46) in the NLRP1 gene. It is expected to result in an absent or disrupted protein product. However, the current clinical and genetic evidence is not sufficient to establish whether loss-of-function variants in NLRP1 cause disease. The frequency data for this variant in the population databases is considered unreliable, as metrics indicate poor data quality at this position in the gnomAD database. This variant has not been reported in the literature in individuals affected with NLRP1-related conditions. In summary, the available evidence is currently insufficient to determine the role of this variant in disease. Therefore, it has been classified as a Variant of Uncertain Significance.

NM_033004.4(NLRP1):c.675_676del (p.Lys226fs)

Gene: NLRP1 (NLR family pyrin domain containing 1; minus strand). Cytogenetic location: 17p13.2.
Variant type: Microsatellite.
Coding change: c.675_676del on transcript NM_033004.4 (MANE Select); coding-DNA positions 675 to 676, 2 bases deleted (GA; older notation c.675_676delGA).
Protein change: p.Lys226fs; shifts the reading frame from lysine 226.
Molecular consequence: frameshift variant.
Genome position (GRCh38, 1-based): chr17:5,560,020-5,560,021, TC deleted on the plus strand (GA on the coding strand, the reverse complement: NLRP1 is on the minus strand); deleting any 2 consecutive bases within chr17:5,560,020-5,560,032 gives the same sequence; the c. name uses the placement nearest the transcript's 3' end. VCF-style (leftmost placement, unchanged base first): chr17-5560019-TTC-T. GRCh37 (hg19) VCF-style: chr17-5463339-TTC-T.
Other names: c.675_676del, p.Lys226fs (NM_001033053.3, NM_014922.5, NM_033006.4 and 1 more transcripts); short protein forms K226fs.
Identifiers: ClinVar variation 2151145 (VCV002151145.4), dbSNP rs757080294, ClinGen allele CA8327512.